The following is an entry in ClinVar:

ClinVar aggregate classification (germline): Likely pathogenic (1 of 4 stars; one submission).

Submission:

Labcorp Genetics (formerly Invitae), Labcorp
Classification: Likely pathogenic. Last evaluated: 2025-06-15. Review status: criteria provided, single submitter. Criteria: Invitae Variant Classification Sherloc (09022015). Collection method: clinical testing. Allele origin: germline.
Comment: This sequence change affects a donor splice site in intron 6 of the CCDC88A gene. It is expected to disrupt RNA splicing. Variants that disrupt the donor or acceptor splice site typically lead to a loss of protein function (PMID: 16199547), and loss-of-function variants in CCDC88A are known to be pathogenic (PMID: 26917597, 30392057). This variant is not present in population databases (gnomAD no frequency). This variant has not been reported in the literature in individuals affected with CCDC88A-related conditions. Algorithms developed to predict the effect of sequence changes on RNA splicing suggest that this variant may disrupt the consensus splice site. In summary, the currently available evidence indicates that the variant is pathogenic, but additional data are needed to prove that conclusively. Therefore, this variant has been classified as Likely Pathogenic.

Literature cited by the submitters: PubMed 16199547; PubMed 26917597; PubMed 30392057.

NM_001365480.1(CCDC88A):c.486+1G>A

Gene: CCDC88A (coiled-coil and HOOK domain protein 88A; minus strand). Cytogenetic location: 2p16.1.
Variant type: single nucleotide variant.
Coding change: c.486+1G>A on transcript NM_001365480.1 (MANE Select); the canonical splice donor site of the intron after coding-DNA position 486, G replaced by A.
Molecular consequence: splice donor variant.
Genome position (GRCh38, 1-based): chr2:55,363,949, C>T on the plus strand (G>A on the coding strand, the complement: CCDC88A is on the minus strand). VCF-style: chr2-55363949-C-T. GRCh37 (hg19) VCF-style: chr2-55591085-C-T.
Other names: c.486+1G>A (NM_001254943.2, NM_001135597.2, NM_018084.5).
Identifiers: ClinVar variation 4721455 (VCV004721455.1).
Genomic context (GRCh38, chr2:55,363,949, plus strand): 5'-AGACAAATAAACACACCACAAGCTTCATAAATAGCACGTAAAATTGTATATATGTCATTA[C>T]CTCTTGAATATGTGCGGCAACCGCTGCTTTTGTATCAAAATCTAAACCTTGAATTCTTTC-3'